The following is an entry in ClinVar:

ClinVar aggregate classification (germline): Benign/Likely benign. Review status: criteria provided, multiple submitters, no conflicts (2 of 4 stars). 6 submissions from 6 submitters: Benign (1); Likely benign (4). 1 of the submissions does not count toward it. Last evaluated 2023-12-12.

Conditions:
PAX3-related disorder. Also called: PAX3-related condition.

Allele frequency attached by ClinVar (database versions not stated): gnomAD exomes 0.00016 and 0.00041; ExAC 0.00050; ESP Exome Variant Server 0.00151; 1000 Genomes Project 30x 0.00156; 1000 Genomes Project 0.00160; gnomAD 0.00163 and 0.00175; TOPMed 0.00189.
gnomAD v4.1: 489 of 1,611,416 alleles (0.03%); highest among the groups gnomAD compares: African/African-American, 0.57%; 1 homozygote.

Submissions (6):

Blueprint Genetics
Classification: Likely benign. Last evaluated: 2023-12-12. Review status: criteria provided, single submitter. Criteria: ACMG Guidelines, 2015. Collection method: clinical testing. Allele origin: germline.

GeneDx
Classification: Likely benign. Last evaluated: 2020-06-07. Review status: criteria provided, single submitter. Criteria: GeneDx Variant Classification Process June 2021. Collection method: clinical testing. Allele origin: germline. Affected: yes.

Athena Diagnostics
Classification: Benign. Last evaluated: 2018-05-23. Review status: criteria provided, single submitter. Criteria: Athena Diagnostics Criteria. Collection method: clinical testing. Allele origin: germline.

Laboratory for Molecular Medicine, Mass General Brigham Personalized Medicine
Classification: Likely benign. Last evaluated: 2015-06-23. Review status: criteria provided, single submitter. Criteria: LMM Criteria. Collection method: clinical testing. Allele origin: germline. Observed: 3 variant alleles.
Comment: p.Ser215Gly in exon 4A of PAX3: This variant is not expected to have clinical si gnificance because it has been identified in 0.6% (56/10348) of African chromoso mes by the Exome Aggregation Consortium (ExAC; d bSNP rs202175449). In addition, this amino acid position is not conserved acros s species with most other species (including mammals) having a glycine (Gly) at amino acid position 215.

Breakthrough Genomics
Classification: Likely benign. Review status: criteria provided, single submitter. Criteria: ACMG Guidelines, 2015. Collection method: not provided. Allele origin: germline. Inheritance: Autosomal recessive inheritance. Affected: yes.

PreventionGenetics, part of Exact Sciences
Classification: Likely benign for PAX3-related condition. Last evaluated: 2024-08-15. Review status: no assertion criteria provided. Collection method: clinical testing. Allele origin: germline. Not counted in ClinVar's aggregate classification.
Comment: This variant is classified as likely benign based on ACMG/AMP sequence variant interpretation guidelines (Richards et al. 2015 PMID: 25741868, with internal and published modifications).

NM_181458.4(PAX3):c.586+57A>G

Gene: PAX3 (paired box 3; minus strand). Cytogenetic location: 2q36.1.
Variant type: single nucleotide variant.
Coding change: c.586+57A>G on transcript NM_181458.4 (MANE Select); 57 bases into the intron after coding-DNA position 586, A replaced by G.
Molecular consequence: intron variant. On other transcripts: missense variant (1).
Genome position (GRCh38, 1-based): chr2:222,294,110, T>C on the plus strand (A>G on the coding strand, the complement: PAX3 is on the minus strand). VCF-style: chr2-222294110-T-C. GRCh37 (hg19) VCF-style: chr2-223158829-T-C.
Other names: c.643A>G, p.Ser215Gly (NM_000438.6); c.583+57A>G (NM_001127366.3); c.586+57A>G (NM_181460.4, NM_181461.4, NM_181459.4 and 2 more transcripts); short protein forms S215G.
Identifiers: ClinVar variation 227833 (VCV000227833.11), dbSNP rs202175449, ClinGen allele CA2135671.